The following is an entry in ClinVar:

ClinVar aggregate classification (germline): Likely benign (1 of 4 stars; one submission).

Allele frequency attached by ClinVar (database versions not stated): gnomAD exomes below 0.00001.
gnomAD v4.1: 1 of 1,591,082 alleles (0.000063%); highest among the groups gnomAD compares: Non-Finnish European, 0.000085%; no homozygotes.

Submission:

CeGaT Center for Human Genetics Tuebingen
Classification: Likely benign. Last evaluated: 2024-02-01. Review status: criteria provided, single submitter. Criteria: CeGaT Center For Human Genetics Tuebingen Variant Classification Criteria Version 2. Collection method: clinical testing. Allele origin: germline. Affected: yes. Observed: 1 variant allele.
Comment: TRRAP: PM2:Supporting, BP4, BP7

NM_001375524.1(TRRAP):c.252A>G (p.Lys84=)

Gene: TRRAP (transformation/transcription domain associated protein; plus strand). Cytogenetic location: 7q22.1.
Variant type: single nucleotide variant.
Coding change: c.252A>G on transcript NM_001375524.1 (MANE Select); coding-DNA position 252, A replaced by G.
Protein change: p.Lys84=; no amino-acid change (lysine 84 retained).
Molecular consequence: synonymous variant.
Genome position (GRCh38, 1-based): chr7:98,890,436, A>G. VCF-style: chr7-98890436-A-G. GRCh37 (hg19) VCF-style: chr7-98488059-A-G.
Other names: c.252A>G, p.Lys84= (NM_003496.4, NM_001244580.2).
Identifiers: ClinVar variation 3027095 (VCV003027095.22), dbSNP rs2484648937, ClinGen allele CA456658095.
Genomic context (GRCh38, chr7:98,890,436, plus strand): 5'-TATCATCCCTCGATTCCTTACATTTCTCCAAGATGGAGAAGTTCAGTTTCTTCAGGAGAA[A>G]CCAGCACAGGTAATGTAAAAAAATAACATGAGAAGACAAGGGTGCTGTGGGATTGTGACC-3'
Protein context (NP_001362453.1, residues 74-94): QDGEVQFLQE[Lys84=]PAQQLRKLVL